The following is an entry in ClinVar:

NM_004727.3(SLC24A1):c.2404G>A (p.Gly802Arg)

Gene: SLC24A1 (solute carrier family 24 member 1; plus strand). Cytogenetic location: 15q22.31.
Variant type: single nucleotide variant.
Coding change: c.2404G>A on transcript NM_004727.3 (MANE Select); coding-DNA position 2404, G replaced by A.
Protein change: p.Gly802Arg; replaces glycine 802 with arginine.
Molecular consequence: missense variant.
Genome position (GRCh38, 1-based): chr15:65,650,553, G>A. VCF-style: chr15-65650553-G-A. GRCh37 (hg19) VCF-style: chr15-65942891-G-A.
Other names: c.385G>A, p.Gly129Arg (NM_001254740.2); c.2404G>A, p.Gly802Arg (NM_001301031.1); c.2350G>A, p.Gly784Arg (NM_001301032.1, NM_001301033.2); c.2062G>A, p.Gly688Arg (NM_001411142.1); short protein forms G802R, G784R, G129R, G688R.
Identifiers: ClinVar variation 2178126 (VCV002178126.1), dbSNP rs1456712540, ClinGen allele CA392899216.

ClinVar aggregate classification (germline): Uncertain significance (1 of 4 stars; one submission).

Allele frequency attached by ClinVar (database versions not stated): gnomAD 0.00001; TOPMed 0.00001.
gnomAD v4.1: 5 of 1,551,716 alleles (0.00032%); highest among the groups gnomAD compares: African/African-American, 0.0014%; no homozygotes.

Submission:

Labcorp Genetics (formerly Invitae), Labcorp
Classification: Uncertain significance. Last evaluated: 2022-08-23. Review status: criteria provided, single submitter. Criteria: Invitae Variant Classification Sherloc (09022015). Collection method: clinical testing. Allele origin: germline.
Comment: This sequence change replaces glycine, which is neutral and non-polar, with arginine, which is basic and polar, at codon 802 of the SLC24A1 protein (p.Gly802Arg). This variant is not present in population databases (gnomAD no frequency). This variant has not been reported in the literature in individuals affected with SLC24A1-related conditions. Algorithms developed to predict the effect of missense changes on protein structure and function (SIFT, PolyPhen-2, Align-GVGD) all suggest that this variant is likely to be tolerated. In summary, the available evidence is currently insufficient to determine the role of this variant in disease. Therefore, it has been classified as a Variant of Uncertain Significance.